The following is an entry in ClinVar:

ClinVar aggregate classification (germline): Uncertain significance (1 of 4 stars; one submission).

Conditions:
Tumor predisposition syndrome 3 (TPDS3). Also called: Melanoma, cutaneous malignant, susceptibility to, 10; Glioma susceptibility 9; LONG TELOMERE SYNDROME, POT1-RELATED; POT1 Tumor Predisposition. Identifiers: Orphanet 618, MedGen C4014476, MONDO:0014368, OMIM 615848.

Submission:

Labcorp Genetics (formerly Invitae), Labcorp
Classification: Uncertain significance for Tumor predisposition syndrome 3. Last evaluated: 2024-03-07. Review status: criteria provided, single submitter. Criteria: Invitae Variant Classification Sherloc (09022015). Collection method: clinical testing. Allele origin: germline.
Comment: This sequence change replaces aspartic acid, which is acidic and polar, with glycine, which is neutral and non-polar, at codon 313 of the POT1 protein (p.Asp313Gly). This variant is not present in population databases (gnomAD no frequency). This variant has not been reported in the literature in individuals affected with POT1-related conditions. Advanced modeling of protein sequence and biophysical properties (such as structural, functional, and spatial information, amino acid conservation, physicochemical variation, residue mobility, and thermodynamic stability) performed at Invitae indicates that this missense variant is not expected to disrupt POT1 protein function with a negative predictive value of 80%. In summary, the available evidence is currently insufficient to determine the role of this variant in disease. Therefore, it has been classified as a Variant of Uncertain Significance.

NM_015450.3(POT1):c.938A>G (p.Asp313Gly)

Gene: POT1 (protection of telomeres 1; minus strand). Cytogenetic location: 7q31.33.
Variant type: single nucleotide variant.
Coding change: c.938A>G on transcript NM_015450.3 (MANE Select); coding-DNA position 938, A replaced by G.
Protein change: p.Asp313Gly; replaces aspartic acid 313 with glycine.
Molecular consequence: missense variant. On other transcripts: non-coding transcript variant (3).
Genome position (GRCh38, 1-based): chr7:124,851,883, T>C on the plus strand (A>G on the coding strand, the complement: POT1 is on the minus strand). VCF-style: chr7-124851883-T-C. GRCh37 (hg19) VCF-style: chr7-124491937-T-C.
Other names: c.545A>G, p.Asp182Gly (NM_001042594.2); short protein forms D313G, D182G.
Identifiers: ClinVar variation 3645031 (VCV003645031.2).